The following is an entry in ClinVar:

NM_001184880.2(PCDH19):c.1569C>A (p.His523Gln)

Gene: PCDH19 (protocadherin 19; minus strand). Cytogenetic location: Xq22.1.
Variant type: single nucleotide variant.
Coding change: c.1569C>A on transcript NM_001184880.2 (MANE Select); coding-DNA position 1569, C replaced by A.
Protein change: p.His523Gln; replaces histidine 523 with glutamine.
Molecular consequence: missense variant.
Genome position (GRCh38, 1-based): chrX:100,407,029, G>T on the plus strand (C>A on the coding strand, the complement: PCDH19 is on the minus strand). VCF-style: chrX-100407029-G-T. GRCh37 (hg19) VCF-style: chrX-99662027-G-T.
Other names: c.1569C>A, p.His523Gln (NM_001105243.2, NM_020766.3); short protein forms H523Q.
Identifiers: ClinVar variation 2793170 (VCV002793170.3), dbSNP rs753119035, ClinGen allele CA414002441.

ClinVar aggregate classification (germline): Uncertain significance (1 of 4 stars; one submission).

Conditions:
Developmental and epileptic encephalopathy, 9 (DEE9). Also called: Early infantile epileptic encephalopathy 9; EPILEPSY, FEMALE-RESTRICTED, WITH MENTAL RETARDATION; JUBERG-HELLMAN SYNDROME; PCDH19-Related X-Linked Female-Limited Epilepsy with Mental Retardation. Identifiers: Orphanet 101039, Orphanet 2076, MedGen C1848137, MONDO:0010246, OMIM 300088. Disease mechanism: loss of function.

Submission:

Labcorp Genetics (formerly Invitae), Labcorp
Classification: Uncertain significance for Developmental and epileptic encephalopathy, 9. Last evaluated: 2023-05-25. Review status: criteria provided, single submitter. Criteria: Invitae Variant Classification Sherloc (09022015). Collection method: clinical testing. Allele origin: germline.
Comment: In summary, the available evidence is currently insufficient to determine the role of this variant in disease. Therefore, it has been classified as a Variant of Uncertain Significance. Advanced modeling of protein sequence and biophysical properties (such as structural, functional, and spatial information, amino acid conservation, physicochemical variation, residue mobility, and thermodynamic stability) has been performed at Invitae for this missense variant, however the output from this modeling did not meet the statistical confidence thresholds required to predict the impact of this variant on PCDH19 protein function. This variant has not been reported in the literature in individuals affected with PCDH19-related conditions. This variant is not present in population databases (gnomAD no frequency). This sequence change replaces histidine, which is basic and polar, with glutamine, which is neutral and polar, at codon 523 of the PCDH19 protein (p.His523Gln).